The following is an entry in ClinVar:

ClinVar aggregate classification (germline): Uncertain significance. Review status: criteria provided, multiple submitters, no conflicts (2 of 4 stars). 2 submissions from 2 submitters: Uncertain significance (2). Last evaluated 2021-05-07.

Conditions:
Epileptic encephalopathy. Identifiers: MedGen C0543888, HP:0200134.
RYR3-related Epileptic encephalopathy.

Allele frequency attached by ClinVar (database versions not stated): gnomAD exomes 0.00001; ExAC 0.00002; gnomAD 0.00002; TOPMed 0.00004; ESP Exome Variant Server 0.00008.
gnomAD v4.1: 15 of 1,613,154 alleles (0.00093%); highest among the groups gnomAD compares: Middle Eastern, 0.016%; no homozygotes.

Submissions (2):

New York Genome Center
Classification: Uncertain significance for RYR3-related Epileptic encephalopathy. Last evaluated: 2021-05-07. Review status: criteria provided, single submitter. Criteria: NYGC Assertion Criteria 2020. Collection method: clinical testing. Allele origin: inherited. Observed: 1 heterozygote. Study: CSER-NYCKidSeq.

Labcorp Genetics (formerly Invitae), Labcorp
Classification: Uncertain significance for Epileptic encephalopathy. Last evaluated: 2018-09-04. Review status: criteria provided, single submitter. Criteria: Invitae Variant Classification Sherloc (09022015). Collection method: clinical testing. Allele origin: germline.
Comment: This sequence change replaces aspartic acid with asparagine at codon 2722 of the RYR3 protein (p.Asp2722Asn). The aspartic acid residue is highly conserved and there is a small physicochemical difference between aspartic acid and asparagine. This variant is present in population databases (rs376553827, ExAC 0.01%). This variant has not been reported in the literature in individuals with RYR3-related disease. Algorithms developed to predict the effect of missense changes on protein structure and function are either unavailable or do not agree on the potential impact of this missense change (SIFT: "Deleterious"; PolyPhen-2: "Possibly Damaging"; Align-GVGD: "Class C0"). In summary, the available evidence is currently insufficient to determine the role of this variant in disease. Therefore, it has been classified as a Variant of Uncertain Significance.

NM_001036.6(RYR3):c.8164G>A (p.Asp2722Asn)

Gene: RYR3 (ryanodine receptor 3; plus strand). Cytogenetic location: 15q14.
Variant type: single nucleotide variant.
Coding change: c.8164G>A on transcript NM_001036.6 (MANE Select); coding-DNA position 8164, G replaced by A.
Protein change: p.Asp2722Asn; replaces aspartic acid 2722 with asparagine.
Molecular consequence: missense variant.
Genome position (GRCh38, 1-based): chr15:33,748,495, G>A. VCF-style: chr15-33748495-G-A. GRCh37 (hg19) VCF-style: chr15-34040696-G-A.
Other names: c.8164G>A, p.Asp2722Asn (NM_001243996.4); short protein forms D2722N.
Identifiers: ClinVar variation 644937 (VCV000644937.8), dbSNP rs376553827, ClinGen allele CA7460118.